The following is an entry in ClinVar:

NM_005188.4(CBL):c.1880A>G (p.Gln627Arg)

Gene: CBL (Cbl proto-oncogene; plus strand). Cytogenetic location: 11q23.3.
Variant type: single nucleotide variant.
Coding change: c.1880A>G on transcript NM_005188.4 (MANE Select); coding-DNA position 1880, A replaced by G.
Protein change: p.Gln627Arg; replaces glutamine 627 with arginine.
Molecular consequence: missense variant.
Genome position (GRCh38, 1-based): chr11:119,285,505, A>G. VCF-style: chr11-119285505-A-G. GRCh37 (hg19) VCF-style: chr11-119156215-A-G.
Other names: short protein forms Q627R.
Identifiers: ClinVar variation 4613892 (VCV004613892.1).

ClinVar aggregate classification (germline): Uncertain significance (1 of 4 stars; one submission).

Conditions:
Cardiovascular phenotype. Identifiers: MedGen CN230736.

Submission:

Ambry Genetics
Classification: Uncertain significance for Cardiovascular phenotype. Last evaluated: 2025-12-06. Review status: criteria provided, single submitter. Criteria: Ambry Variant Classification Scheme 2023. Collection method: clinical testing. Allele origin: germline.
Comment: The p.Q627R variant (also known as c.1880A>G), located in coding exon 11 of the CBL gene, results from an A to G substitution at nucleotide position 1880. The glutamine at codon 627 is replaced by arginine, an amino acid with highly similar properties. This amino acid position is conserved. In addition, this alteration is predicted to be tolerated by in silico analysis. Based on the available evidence, the clinical significance of this variant remains unclear.